The following is an entry in ClinVar:

ClinVar aggregate classification (germline): Uncertain significance (1 of 4 stars; one submission).

Submission:

Labcorp Genetics (formerly Invitae), Labcorp
Classification: Uncertain significance. Last evaluated: 2022-08-30. Review status: criteria provided, single submitter. Criteria: Invitae Variant Classification Sherloc (09022015). Collection method: clinical testing. Allele origin: germline.
Comment: This sequence change replaces cysteine, which is neutral and slightly polar, with tyrosine, which is neutral and polar, at codon 378 of the STAT4 protein (p.Cys378Tyr). In summary, the available evidence is currently insufficient to determine the role of this variant in disease. Therefore, it has been classified as a Variant of Uncertain Significance. Algorithms developed to predict the effect of missense changes on protein structure and function (SIFT, PolyPhen-2, Align-GVGD) all suggest that this variant is likely to be tolerated. This variant has not been reported in the literature in individuals affected with STAT4-related conditions. This variant is not present in population databases (gnomAD no frequency).

NM_003151.4(STAT4):c.1133G>A (p.Cys378Tyr)

Gene: STAT4 (signal transducer and activator of transcription 4; minus strand). Cytogenetic location: 2q32.2.
Variant type: single nucleotide variant.
Coding change: c.1133G>A on transcript NM_003151.4 (MANE Select); coding-DNA position 1133, G replaced by A.
Protein change: p.Cys378Tyr; replaces cysteine 378 with tyrosine.
Molecular consequence: missense variant.
Genome position (GRCh38, 1-based): chr2:191,058,091, C>T on the plus strand (G>A on the coding strand, the complement: STAT4 is on the minus strand). VCF-style: chr2-191058091-C-T. GRCh37 (hg19) VCF-style: chr2-191922817-C-T.
Other names: c.1133G>A, p.Cys378Tyr (NM_001243835.2); short protein forms C378Y.
Identifiers: ClinVar variation 1718372 (VCV001718372.6), dbSNP rs2470749113, ClinGen allele CA349913905.